The following is an entry in ClinVar:

ClinVar aggregate classification (germline): Benign/Likely benign. Review status: criteria provided, multiple submitters, no conflicts (2 of 4 stars). 4 submissions from 3 submitters: Benign (2); Likely benign (2). Last evaluated 2026-01-02.

Conditions:
Wagner disease. Also called: WAGNER VITREORETINAL DEGENERATION; Wagner Vitreoretinal Degeneration (Wagner Synrdome); Wagner syndrome; HYALOIDEORETINAL DEGENERATION OF WAGNER; WAGNER SYNDROME 1; WAGNER VITREORETINOPATHY. Identifiers: Orphanet 898, MedGen C1840452, MONDO:0007740, OMIM 143200.
Vitreoretinopathy. Also called: Vitreoretinal degeneration. Identifiers: MedGen C0344290, MONDO:0020248, HP:0007773.

Allele frequency attached by ClinVar (database versions not stated): gnomAD 0.00003 and 0.00005; TOPMed 0.00006; ExAC 0.00017; 1000 Genomes Project 0.00040; 1000 Genomes Project 30x 0.00047.
gnomAD v4.1: 84 of 1,614,118 alleles (0.0052%); highest among the groups gnomAD compares: East Asian, 0.1%; no homozygotes.

Submissions (4):

Labcorp Genetics (formerly Invitae), Labcorp
Classification: Likely benign. Last evaluated: 2026-01-02. Review status: criteria provided, single submitter. Criteria: Invitae Variant Classification Sherloc (09022015). Collection method: clinical testing. Allele origin: germline.

Blueprint Genetics
Classification: Likely benign. Last evaluated: 2024-03-05. Review status: criteria provided, single submitter. Criteria: ACMG Guidelines, 2015. Collection method: clinical testing. Allele origin: germline.

Illumina Laboratory Services, Illumina
Classification: Benign for Wagner disease. Last evaluated: 2018-01-13. Review status: criteria provided, single submitter. Criteria: ICSL Variant Classification Criteria 13 December 2019. Collection method: clinical testing. Allele origin: germline.
Comment: This variant was observed in the ICSL laboratory as part of a predisposition screen in an ostensibly healthy population. It had not been previously curated by ICSL or reported in the Human Gene Mutation Database (HGMD: prior to June 1st, 2018), and was therefore a candidate for classification through an automated scoring system. Utilizing variant allele frequency, disease prevalence and penetrance estimates, and inheritance mode, an automated score was calculated to assess if this variant is too frequent to cause the disease. Based on the score and internal cut-off values, a variant classified as benign is not then subjected to further curation. The score for this variant resulted in a classification of benign for this disease.

Illumina Laboratory Services, Illumina
Classification: Benign for Vitreoretinopathy. Last evaluated: 2018-01-13. Review status: criteria provided, single submitter. Criteria: ICSL Variant Classification Criteria 13 December 2019. Collection method: clinical testing. Allele origin: germline.
Comment: the same text as in the submission from Illumina Laboratory Services, Illumina above.

NM_004385.5(VCAN):c.1457C>T (p.Ser486Leu)

Gene: VCAN (versican; plus strand). Cytogenetic location: 5q14.3.
Variant type: single nucleotide variant.
Coding change: c.1457C>T on transcript NM_004385.5 (MANE Select); coding-DNA position 1457, C replaced by T.
Protein change: p.Ser486Leu; replaces serine 486 with leucine.
Molecular consequence: missense variant. On other transcripts: intron variant (2).
Genome position (GRCh38, 1-based): chr5:83,519,763, C>T. VCF-style: chr5-83519763-C-T. GRCh37 (hg19) VCF-style: chr5-82815582-C-T.
Other names: c.1457C>T, p.Ser486Leu (NM_001164098.2); c.1042+7367C>T (NM_001164097.2, NM_001126336.3); short protein forms S486L.
Identifiers: ClinVar variation 903796 (VCV000903796.13), dbSNP rs186544077, ClinGen allele CA3332678.
Genomic context (GRCh38, chr5:83,519,763, plus strand): 5'-TCTCTCATTATGCTACGGATTCATGGGATGGTGTCGTGGAAGATAAACAAACACAAGAAT[C>T]GGTTACACAGATTGAACAAATAGAAGTGGGTCCTTTGGTAACATCTATGGAAATCTTAAA-3'
Protein context (NP_004376.2, residues 476-496): GVVEDKQTQE[Ser486Leu]VTQIEQIEVG